The following is an entry in ClinVar:

NM_021167.5(GATAD1):c.485A>T (p.Asp162Val)

Gene: GATAD1 (GATA zinc finger domain containing 1; plus strand). Cytogenetic location: 7q21.2.
Variant type: single nucleotide variant.
Coding change: c.485A>T on transcript NM_021167.5 (MANE Select); coding-DNA position 485, A replaced by T.
Protein change: p.Asp162Val; replaces aspartic acid 162 with valine.
Molecular consequence: missense variant. On other transcripts: non-coding transcript variant (1).
Genome position (GRCh38, 1-based): chr7:92,454,551, A>T. VCF-style: chr7-92454551-A-T. GRCh37 (hg19) VCF-style: chr7-92083865-A-T.
Other names: short protein forms D162V.
Identifiers: ClinVar variation 4799076 (VCV004799076.1).

ClinVar aggregate classification (germline): Uncertain significance (1 of 4 stars; one submission).

Conditions:
Dilated cardiomyopathy 2B. Identifiers: Orphanet 154, MedGen C3553409, MONDO:0013848, OMIM 614672.

gnomAD v4.1: 2 of 1,613,132 alleles (0.00012%); highest among the groups gnomAD compares: Non-Finnish European, 0.00017%; no homozygotes.

Submission:

Labcorp Genetics (formerly Invitae), Labcorp
Classification: Uncertain significance for Dilated cardiomyopathy 2B. Last evaluated: 2025-04-01. Review status: criteria provided, single submitter. Criteria: Invitae Variant Classification Sherloc (09022015). Collection method: clinical testing. Allele origin: germline.
Comment: This sequence change replaces aspartic acid, which is acidic and polar, with valine, which is neutral and non-polar, at codon 162 of the GATAD1 protein (p.Asp162Val). This variant is not present in population databases (gnomAD no frequency). This variant has not been reported in the literature in individuals affected with GATAD1-related conditions. Invitae Evidence Modeling of protein sequence and biophysical properties (such as structural, functional, and spatial information, amino acid conservation, physicochemical variation, residue mobility, and thermodynamic stability) indicates that this missense variant is not expected to disrupt GATAD1 protein function with a negative predictive value of 80%. In summary, the available evidence is currently insufficient to determine the role of this variant in disease. Therefore, it has been classified as a Variant of Uncertain Significance.